The following is an entry in ClinVar:

ClinVar aggregate classification (germline): Likely pathogenic (1 of 4 stars; one submission).

Conditions:
Takenouchi-Kosaki syndrome. Also called: Macrothrombocytopenia-lymphedema-developmental delay-facial dysmorphism-camptodactyly syndrome; MACROTHROMBOCYTOPENIA AND MENTAL RETARDATION SYNDROME. Identifiers: Orphanet 487796, MedGen C4225222, MONDO:0014757, OMIM 616737.

Submission:

Clinical Genomics Laboratory, Washington University in St. Louis
Classification: Likely pathogenic for Takenouchi-Kosaki syndrome. Last evaluated: 2023-08-22. Review status: criteria provided, single submitter. Criteria: ACMG Guidelines, 2015. Collection method: clinical testing. Allele origin: germline. Affected: yes.
Comment: The CDC42 c.227A>T (p.Asp76Val) variant, to our knowledge, has not been reported in the medical literature and is absent from the general population (gnomAD v.2.1.1), indicating it is not a common variant. This codon occurs at the start of beta sheet between the switch II region and the GTP binding pocket and changes a negatively charged aspartic acid to neutral nonpolar valine and computational predictors indicate that the variant is damaging, evidence that correlates with impact to CDC42 function. Additionally, several other pathogenic missense variants occur in this region and there are not common missense variants in this region (Martinelli S et al., PMID: 29394990; MutScore). Based on available information and the ACMG/AMP guidelines for variant interpretation (Richards S et al., PMID: 25741868), this variant is classified as likely pathogenic.

NM_001791.4(CDC42):c.227A>T (p.Asp76Val)

Gene: CDC42 (cell division cycle 42; plus strand). Cytogenetic location: 1p36.12.
Variant type: single nucleotide variant.
Coding change: c.227A>T on transcript NM_001791.4 (MANE Select); coding-DNA position 227, A replaced by T.
Protein change: p.Asp76Val; replaces aspartic acid 76 with valine.
Molecular consequence: missense variant.
Genome position (GRCh38, 1-based): chr1:22,086,487, A>T. VCF-style: chr1-22086487-A-T. GRCh37 (hg19) VCF-style: chr1-22412980-A-T.
Other names: c.227A>T, p.Asp76Val (NM_001039802.2, NM_044472.3); short protein forms D76V.
Identifiers: ClinVar variation 2672222 (VCV002672222.1), dbSNP rs1645663483, ClinGen allele CA338906764.